The following is an entry in ClinVar:

NM_033087.4(ALG2):c.974A>G (p.Glu325Gly)

Gene: ALG2 (ALG2 alpha-1,3/1,6-mannosyltransferase; minus strand). Cytogenetic location: 9q22.33.
Variant type: single nucleotide variant.
Coding change: c.974A>G on transcript NM_033087.4 (MANE Select); coding-DNA position 974, A replaced by G.
Protein change: p.Glu325Gly; replaces glutamic acid 325 with glycine.
Molecular consequence: missense variant. On other transcripts: non-coding transcript variant (1).
Genome position (GRCh38, 1-based): chr9:99,218,211, T>C on the plus strand (A>G on the coding strand, the complement: ALG2 is on the minus strand). VCF-style: chr9-99218211-T-C. GRCh37 (hg19) VCF-style: chr9-101980493-T-C.
Other names: short protein forms E325G.
Identifiers: ClinVar variation 2015813 (VCV002015813.4), dbSNP rs2490382418, ClinGen allele CA374226708.

ClinVar aggregate classification (germline): Uncertain significance (1 of 4 stars; one submission).

Conditions:
Congenital disorder of glycosylation, type Ii. Also called: CDG Ii; ALG2-CDG; ALG2-congenital disorder of glycosylation. Identifiers: Orphanet 79326, MedGen C1842836, MONDO:0011933, OMIM 607906.
Congenital myasthenic syndrome 14. Also called: Myasthenic syndrome, congenital, 14, with tubular aggregates. Identifiers: Orphanet 353327, Orphanet 590, MedGen C4015597, MONDO:0014543, OMIM 616228.

Submission:

Labcorp Genetics (formerly Invitae), Labcorp
Classification: Uncertain significance for Congenital disorder of glycosylation, type Ii; Congenital myasthenic syndrome 14. Last evaluated: 2024-10-22. Review status: criteria provided, single submitter. Criteria: Invitae Variant Classification Sherloc (09022015). Collection method: clinical testing. Allele origin: germline.
Comment: This sequence change replaces glutamic acid, which is acidic and polar, with glycine, which is neutral and non-polar, at codon 325 of the ALG2 protein (p.Glu325Gly). This variant is not present in population databases (gnomAD no frequency). This variant has not been reported in the literature in individuals affected with ALG2-related conditions. ClinVar contains an entry for this variant (Variation ID: 2015813). An algorithm developed to predict the effect of missense changes on protein structure and function (PolyPhen-2) suggests that this variant is likely to be disruptive. In summary, the available evidence is currently insufficient to determine the role of this variant in disease. Therefore, it has been classified as a Variant of Uncertain Significance.